The following is an entry in ClinVar:

ClinVar aggregate classification (germline): Benign. Review status: criteria provided, multiple submitters, no conflicts (2 of 4 stars). 4 submissions from 4 submitters: Benign (4). Last evaluated 2026-02-02.

Conditions:
Isolated microphthalmia 6. Also called: MICROPHTHALMIA, POSTERIOR NONSYNDROMIC. Identifiers: Orphanet 2542, MedGen C3150757, MONDO:0013293, OMIM 613517.

Allele frequency attached by ClinVar (database versions not stated): TOPMed 0.63974; gnomAD 0.64095 and 0.64904; 1000 Genomes Project 30x 0.65818; 1000 Genomes Project 0.66573; ExAC 0.68644; gnomAD exomes 0.69885 and 0.71742.
gnomAD v4.1: 1,061,845 of 1,530,984 alleles (69%); highest among the groups gnomAD compares: East Asian, 88%; 371,791 homozygotes.

Submissions (4):

Labcorp Genetics (formerly Invitae), Labcorp
Classification: Benign for Isolated microphthalmia 6. Last evaluated: 2026-02-02. Review status: criteria provided, single submitter. Criteria: Invitae Variant Classification Sherloc (09022015). Collection method: clinical testing. Allele origin: germline.

Genome-Nilou Lab
Classification: Benign for Isolated microphthalmia 6. Last evaluated: 2021-10-25. Review status: criteria provided, single submitter. Criteria: ACMG Guidelines, 2015. Collection method: clinical testing. Allele origin: germline. Affected: no.

GeneDx
Classification: Benign. Last evaluated: 2018-03-22. Review status: criteria provided, single submitter. Criteria: GeneDx Variant Classification (06012015). Collection method: clinical testing. Allele origin: germline. Affected: yes.
Comment: This variant is considered likely benign or benign based on one or more of the following criteria: it is a conservative change, it occurs at a poorly conserved position in the protein, it is predicted to be benign by multiple in silico algorithms, and/or has population frequency not consistent with disease.

Breakthrough Genomics
Classification: Benign. Review status: criteria provided, single submitter. Criteria: ACMG Guidelines, 2015. Collection method: not provided. Allele origin: germline. Inheritance: Autosomal recessive inheritance. Affected: yes.

NM_001195129.2(PRSS56):c.88G>A (p.Ala30Thr)

Gene: PRSS56 (serine protease 56; plus strand). Cytogenetic location: 2q37.1.
Variant type: single nucleotide variant.
Coding change: c.88G>A on transcript NM_001195129.2 (MANE Select); coding-DNA position 88, G replaced by A.
Protein change: p.Ala30Thr; replaces alanine 30 with threonine.
Molecular consequence: missense variant.
Genome position (GRCh38, 1-based): chr2:232,520,686, G>A. VCF-style: chr2-232520686-G-A. GRCh37 (hg19) VCF-style: chr2-233385396-G-A.
Other names: c.88G>A, p.Ala30Thr (NM_001369848.1); short protein forms A30T.
Identifiers: ClinVar variation 677180 (VCV000677180.13), dbSNP rs1550094, ClinGen allele CA2167671.